The following is an entry in ClinVar:

ClinVar aggregate classification (germline): Uncertain significance (1 of 4 stars; one submission).

Conditions:
Early Myoclonic Encephalopathy. Identifiers: MedGen C0270855.

Allele frequency attached by ClinVar (database versions not stated): gnomAD exomes below 0.00001.
gnomAD v4.1: 2 of 1,614,228 alleles (0.00012%); highest among the groups gnomAD compares: Non-Finnish European, 0.000085%; no homozygotes.

Submission:

Labcorp Genetics (formerly Invitae), Labcorp
Classification: Uncertain significance for Early myoclonic encephalopathy. Last evaluated: 2018-07-30. Review status: criteria provided, single submitter. Criteria: Invitae Variant Classification Sherloc (09022015). Collection method: clinical testing. Allele origin: germline.
Comment: This sequence change replaces glutamine with proline at codon 833 of the JMJD1C protein (p.Gln833Pro). The glutamine residue is moderately conserved and there is a moderate physicochemical difference between glutamine and proline. This variant is not present in population databases (ExAC no frequency). This variant has not been reported in the literature in individuals with JMJD1C-related disease. Algorithms developed to predict the effect of missense changes on protein structure and function are either unavailable or do not agree on the potential impact of this missense change (SIFT: "Deleterious"; PolyPhen-2: "Probably Damaging"; Align-GVGD: "Class C0"). In summary, the available evidence is currently insufficient to determine the role of this variant in disease. Therefore, it has been classified as a Variant of Uncertain Significance.

NM_032776.3(JMJD1C):c.2498A>C (p.Gln833Pro)

Gene: JMJD1C (jumonji domain containing 1C; minus strand). Cytogenetic location: 10q21.3.
Variant type: single nucleotide variant.
Coding change: c.2498A>C on transcript NM_032776.3 (MANE Select); coding-DNA position 2498, A replaced by C.
Protein change: p.Gln833Pro; replaces glutamine 833 with proline.
Molecular consequence: missense variant. On other transcripts: non-coding transcript variant (1).
Genome position (GRCh38, 1-based): chr10:63,213,669, T>G on the plus strand (A>C on the coding strand, the complement: JMJD1C is on the minus strand). VCF-style: chr10-63213669-T-G. GRCh37 (hg19) VCF-style: chr10-64973429-T-G.
Other names: c.1952A>C, p.Gln651Pro (NM_001282948.2, NM_001318154.2); c.1634A>C, p.Gln545Pro (NM_001318153.2); c.2384A>C, p.Gln795Pro (NM_001322252.2); c.1841A>C, p.Gln614Pro (NM_001322254.2, NM_001322258.2); short protein forms Q545P, Q614P, Q651P, Q795P, Q833P.
Identifiers: ClinVar variation 663503 (VCV000663503.1), dbSNP rs1355338499, ClinGen allele CA377044986.
Genomic context (GRCh38, chr10:63,213,669, plus strand): 5'-GAAGCAGAAGGATGGGCTTGTCCAAGAAGATGAGGTGACTGGTGCTGTAACAACTGTTGT[T>G]GTTGCTGGTGTGCTAGCGCTAAGTGGCTCAAGCTGCTGGCATGAGCACTCTCTAGTCGTG-3'
Protein context (NP_116165.1, residues 823-843): LSHLALAHQQ[Gln833Pro]QQLLQHQSPH